The following is an entry in ClinVar:

ClinVar aggregate classification (germline): Uncertain significance (1 of 4 stars; one submission).

Conditions:
Hyper-IgE recurrent infection syndrome 1, autosomal dominant. Also called: JOB SYNDROME; HYPER-IgE SYNDROME 1, AUTOSOMAL DOMINANT, WITH RECURRENT INFECTIONS; Job's Syndrome; STAT3 Hyper IgE Syndrome; Hyper-IgE recurrent infection syndrome 1. Identifiers: Orphanet 2314, MedGen C2936739, MONDO:0007818, OMIM 147060.
STAT3 gain of function. Identifiers: MedGen C4288261.

Submission:

Labcorp Genetics (formerly Invitae), Labcorp
Classification: Uncertain significance for STAT3 gain of function; Hyper-IgE recurrent infection syndrome 1, autosomal dominant. Last evaluated: 2022-06-24. Review status: criteria provided, single submitter. Criteria: Invitae Variant Classification Sherloc (09022015). Collection method: clinical testing. Allele origin: germline.
Comment: In summary, the available evidence is currently insufficient to determine the role of this variant in disease. Therefore, it has been classified as a Variant of Uncertain Significance. This variant has not been reported in the literature in individuals affected with STAT3-related conditions. This variant is not present in population databases (gnomAD no frequency). This sequence change creates a premature translational stop signal (p.Phe384Leufs*2) in the STAT3 gene. It is expected to result in an absent or disrupted protein product. However, the current clinical and genetic evidence is not sufficient to establish whether loss-of-function variants in STAT3 cause disease.

NM_139276.3(STAT3):c.1151_1152insG (p.Phe384fs)

Gene: STAT3 (signal transducer and activator of transcription 3; minus strand). Cytogenetic location: 17q21.2.
Variant type: Insertion.
Coding change: c.1151_1152insG on transcript NM_139276.3 (MANE Select); coding-DNA positions 1151 to 1152, G inserted.
Protein change: p.Phe384fs; shifts the reading frame from phenylalanine 384.
Molecular consequence: frameshift variant.
Genome position: GRCh38 VCF-style: chr17-42329635-A-AC. GRCh37 (hg19) VCF-style: chr17-40481653-A-AC.
Other names: c.1151_1152insG, p.Phe384fs (NM_001369519.1, NM_001369520.1, NM_001384984.1 and 12 more transcripts); c.1073_1074insG, p.Phe358fs (NM_001384985.1); c.1166_1167insG, p.Phe389fs (NM_001384986.1, NM_001384990.1); c.1055_1056insG, p.Phe352fs (NM_001384989.1); c.1091_1092insG, p.Phe364fs (NM_001384992.1); short protein forms F389fs, F352fs, F358fs, F384fs, F364fs.
Identifiers: ClinVar variation 2010135 (VCV002010135.4), dbSNP rs2509328099, ClinGen allele CA2580093724.